The following is an entry in ClinVar:

ClinVar aggregate classification (germline): Uncertain significance. Review status: criteria provided, multiple submitters, no conflicts (2 of 4 stars). 2 submissions from 2 submitters: Uncertain significance (2). Last evaluated 2023-12-22.

Conditions:
Gorlin syndrome. Also called: Basal cell nevus syndrome; Nevoid Basal Cell Carcinoma Syndrome. Identifiers: Orphanet 377, MedGen C0004779, MONDO:0007187.

Submissions (2):

Ambry Genetics
Classification: Uncertain significance. Last evaluated: 2023-12-22. Review status: criteria provided, single submitter. Criteria: Ambry Variant Classification Scheme 2023. Collection method: clinical testing. Allele origin: germline.

Labcorp Genetics (formerly Invitae), Labcorp
Classification: Uncertain significance for Gorlin syndrome. Last evaluated: 2018-05-24. Review status: criteria provided, single submitter. Criteria: Invitae Variant Classification Sherloc (09022015). Collection method: clinical testing. Allele origin: germline.
Comment: In summary, the available evidence is currently insufficient to determine the role of this variant in disease. Therefore, it has been classified as a Variant of Uncertain Significance. Algorithms developed to predict the effect of missense changes on protein structure and function are either unavailable or do not agree on the potential impact of this missense change (SIFT: "Tolerated"; PolyPhen-2: "Possibly Damaging"; Align-GVGD: "Class C0"). This variant has not been reported in the literature in individuals with PTCH2-related disease. This variant is not present in population databases (ExAC no frequency). This sequence change replaces alanine with proline at codon 677 of the PTCH2 protein (p.Ala677Pro). The alanine residue is moderately conserved and there is a small physicochemical difference between alanine and proline.

NM_003738.5(PTCH2):c.2029G>C (p.Ala677Pro)

Gene: PTCH2 (patched 2; minus strand). Cytogenetic location: 1p34.1.
Variant type: single nucleotide variant.
Coding change: c.2029G>C on transcript NM_003738.5 (MANE Select); coding-DNA position 2029, G replaced by C.
Protein change: p.Ala677Pro; replaces alanine 677 with proline.
Molecular consequence: missense variant.
Genome position (GRCh38, 1-based): chr1:44,827,872, C>G on the plus strand (G>C on the coding strand, the complement: PTCH2 is on the minus strand). VCF-style: chr1-44827872-C-G. GRCh37 (hg19) VCF-style: chr1-45293544-C-G.
Other names: c.2029G>C, p.Ala677Pro (NM_001166292.2); short protein forms A677P.
Identifiers: ClinVar variation 580748 (VCV000580748.10), dbSNP rs1557644638, ClinGen allele CA340098617.
Genomic context (GRCh38, chr1:44,827,872, plus strand): 5'-TAAGTCTCTGCCCTGCTCTGCCCAGTCTTACCTTAGCATGTGACTGGAGCAGCAACGGGG[C>G]AAACTGATAGCGGGCGAAATGGGCAAGATTCCAGCGGGCACAGGGCAGGGACTTGCAGGC-3'
Protein context (NP_003729.3, residues 667-687): NLAHFARYQF[Ala677Pro]PLLLQSHAKA